The following is an entry in ClinVar:

NM_012073.5(CCT5):c.393C>G (p.Ile131Met)

Gene: CCT5 (chaperonin containing TCP1 subunit 5; plus strand). Cytogenetic location: 5p15.2.
Variant type: single nucleotide variant.
Coding change: c.393C>G on transcript NM_012073.5 (MANE Select); coding-DNA position 393, C replaced by G.
Protein change: p.Ile131Met; replaces isoleucine 131 with methionine.
Molecular consequence: missense variant.
Genome position (GRCh38, 1-based): chr5:10,256,016, C>G. VCF-style: chr5-10256016-C-G. GRCh37 (hg19) VCF-style: chr5-10256128-C-G.
Other names: c.330C>G, p.Ile110Met (NM_001306153.1); c.228C>G, p.Ile76Met (NM_001306154.2); c.114C>G, p.Ile38Met (NM_001306155.2); c.279C>G, p.Ile93Met (NM_001306156.2); short protein forms I110M, I131M, I38M, I76M, I93M.
Identifiers: ClinVar variation 3626966 (VCV003626966.2).

ClinVar aggregate classification (germline): Uncertain significance (1 of 4 stars; one submission).

Conditions:
Hereditary sensory and autonomic neuropathy with spastic paraplegia (HSNSP). Identifiers: Orphanet 139578, MedGen C1850395, MONDO:0009748, OMIM 256840.

Submission:

Labcorp Genetics (formerly Invitae), Labcorp
Classification: Uncertain significance for Hereditary sensory and autonomic neuropathy with spastic paraplegia. Last evaluated: 2024-07-03. Review status: criteria provided, single submitter. Criteria: Invitae Variant Classification Sherloc (09022015). Collection method: clinical testing. Allele origin: germline.
Comment: This sequence change replaces isoleucine, which is neutral and non-polar, with methionine, which is neutral and non-polar, at codon 131 of the CCT5 protein (p.Ile131Met). This variant is not present in population databases (gnomAD no frequency). This variant has not been reported in the literature in individuals affected with CCT5-related conditions. Advanced modeling of protein sequence and biophysical properties (such as structural, functional, and spatial information, amino acid conservation, physicochemical variation, residue mobility, and thermodynamic stability) performed at Invitae indicates that this missense variant is not expected to disrupt CCT5 protein function with a negative predictive value of 80%. In summary, the available evidence is currently insufficient to determine the role of this variant in disease. Therefore, it has been classified as a Variant of Uncertain Significance.